The following is an entry in ClinVar:

ClinVar aggregate classification (germline): Likely benign (1 of 4 stars; one submission).

Conditions:
DCDC2-related disorder. Also called: DCDC2-related condition.

Submission:

PreventionGenetics, part of Exact Sciences
Classification: Likely benign for DCDC2-related condition. Last evaluated: 2026-05-28. Review status: criteria provided, single submitter. Criteria: ACMG Guidelines, 2015. Collection method: clinical testing. Allele origin: germline.
Comment: This variant is classified as likely benign based on ACMG/AMP sequence variant interpretation guidelines (Richards et al. 2015 PMID: 25741868, with internal and published modifications).

NM_016356.5(DCDC2):c.291C>G (p.Leu97=)

Genes: DCDC2 (doublecortin domain containing 2; minus strand), KAAG1 (kidney associated DCDC2 antisense RNA 1; plus strand). Cytogenetic location: 6p22.3.
Variant type: single nucleotide variant.
Coding change: c.291C>G on transcript NM_016356.5 (MANE Select); coding-DNA position 291, C replaced by G.
Protein change: p.Leu97=; no amino-acid change (leucine 97 retained).
Molecular consequence: synonymous variant. On other transcripts: non-coding transcript variant (1).
Genome position (GRCh38, 1-based): chr6:24,357,460, G>C on the plus strand (C>G on the coding strand, the complement: DCDC2 is on the minus strand). VCF-style: chr6-24357460-G-C. GRCh37 (hg19) VCF-style: chr6-24357688-G-C.
Other names: c.291C>G, p.Leu97= (NM_001195610.2).
Identifiers: ClinVar variation 4991296 (VCV004991296.1).